The following is an entry in ClinVar:

NM_033004.4(NLRP1):c.3363A>C (p.Glu1121Asp)

Gene: NLRP1 (NLR family pyrin domain containing 1; minus strand). Cytogenetic location: 17p13.2.
Variant type: single nucleotide variant.
Coding change: c.3363A>C on transcript NM_033004.4 (MANE Select); coding-DNA position 3363, A replaced by C.
Protein change: p.Glu1121Asp; replaces glutamic acid 1121 with aspartic acid.
Molecular consequence: missense variant.
Genome position (GRCh38, 1-based): chr17:5,530,638, T>G on the plus strand (A>C on the coding strand, the complement: NLRP1 is on the minus strand). VCF-style: chr17-5530638-T-G. GRCh37 (hg19) VCF-style: chr17-5433958-T-G.
Other names: c.3375A>C, p.Glu1125Asp (NM_001033053.3); c.3363A>C, p.Glu1121Asp (NM_014922.5); c.3273A>C, p.Glu1091Asp (NM_033006.4, NM_033007.4); short protein forms E1121D, E1091D, E1125D.
Identifiers: ClinVar variation 3677463 (VCV003677463.2).

ClinVar aggregate classification (germline): Uncertain significance (1 of 4 stars; one submission).

Submission:

Labcorp Genetics (formerly Invitae), Labcorp
Classification: Uncertain significance. Last evaluated: 2024-05-19. Review status: criteria provided, single submitter. Criteria: Invitae Variant Classification Sherloc (09022015). Collection method: clinical testing. Allele origin: germline.
Comment: This sequence change replaces glutamic acid, which is acidic and polar, with aspartic acid, which is acidic and polar, at codon 1121 of the NLRP1 protein (p.Glu1121Asp). This variant is not present in population databases (gnomAD no frequency). This variant has not been reported in the literature in individuals affected with NLRP1-related conditions. An algorithm developed to predict the effect of missense changes on protein structure and function (PolyPhen-2) suggests that this variant is likely to be disruptive. In summary, the available evidence is currently insufficient to determine the role of this variant in disease. Therefore, it has been classified as a Variant of Uncertain Significance.